The following is an entry in ClinVar:

ClinVar aggregate classification (germline): Uncertain significance (1 of 4 stars; one submission).

Conditions:
Congenital factor V deficiency. Also called: OWREN PARAHEMOPHILIA; PARAHEMOPHILIA; Hereditary factor V deficiency disease; LABILE FACTOR DEFICIENCY. Identifiers: Orphanet 326, MedGen C0015499, MONDO:0009210, OMIM 227400.
Thrombophilia due to activated protein C resistance (THPH2). Also called: Hereditary Resistance to Activated Protein C; PCCF DEFICIENCY; PROC COFACTOR DEFICIENCY; THROMBOPHILIA DUE TO DEFICIENCY OF ACTIVATED PROTEIN C COFACTOR; THROMBOPHILIA V; APC resistance. Identifiers: MedGen C1861171, MONDO:0008560, OMIM 188055. Disease mechanism: loss of function, gain of function.
Budd-Chiari syndrome (BDCHS). Also called: Hepatic vein obstruction. Identifiers: Orphanet 131, MedGen C0856761, MONDO:0010947, OMIM 600880, HP:0002639.
Ischemic stroke. Also called: CEREBROVASCULAR ACCIDENT; Ischemic stroke, susceptibility to. Identifiers: MedGen C0948008, MONDO:1060198, OMIM 601367, HP:0002140.
Pregnancy loss, recurrent, susceptibility to, 1 (RPRGL1). Also called: EMBRYONIC LOSS, RECURRENT; MISCARRIAGE, RECURRENT; STILLBIRTH, RECURRENT; FETAL LOSS, RECURRENT, SUSCEPTIBILITY TO. Identifiers: MedGen C3280670, MONDO:0013727, OMIM 614389.

gnomAD v4.1: 16 of 1,613,942 alleles (0.00099%); highest among the groups gnomAD compares: East Asian, 0.0022%; no homozygotes.

Submission:

Juno Genomics, Hangzhou Juno Genomics, Inc
Classification: Uncertain significance for Budd-Chiari syndrome; Pregnancy loss, recurrent, susceptibility to, 1; Ischemic stroke; Thrombophilia due to activated protein C resistance; Congenital factor V deficiency. Review status: criteria provided, single submitter. Criteria: ACMG Guidelines, 2015. Collection method: clinical testing. Allele origin: germline.
Comment: Absent from controls (or at extremely low frequency if recessive) in Genome Aggregation Database.

NM_000130.5(F5):c.1723C>T (p.Arg575Cys)

Gene: F5 (coagulation factor V; minus strand). Cytogenetic location: 1q24.2.
Variant type: single nucleotide variant.
Coding change: c.1723C>T on transcript NM_000130.5 (MANE Select); coding-DNA position 1723, C replaced by T.
Protein change: p.Arg575Cys; replaces arginine 575 with cysteine.
Molecular consequence: missense variant.
Genome position (GRCh38, 1-based): chr1:169,546,481, G>A on the plus strand (C>T on the coding strand, the complement: F5 is on the minus strand). VCF-style: chr1-169546481-G-A. GRCh37 (hg19) VCF-style: chr1-169515719-G-A.
Other names: short protein forms R575C.
Identifiers: ClinVar variation 5005221 (VCV005005221.2).